The following is an entry in ClinVar:

ClinVar aggregate classification (germline): Pathogenic/Likely pathogenic. Review status: criteria provided, multiple submitters, no conflicts (2 of 4 stars). 3 submissions from 3 submitters: Pathogenic (2); Likely pathogenic (1). Last evaluated 2025-09-08.

Conditions:
Emery-Dreifuss muscular dystrophy 4, autosomal dominant (EDMD4). Also called: EMERY-DREIFUSS MUSCULAR DYSTROPHY 4 WITH VARIABLE FEATURES. Identifiers: Orphanet 261, MedGen C2751807, MONDO:0013071, OMIM 612998.
Autosomal recessive ataxia, Beauce type. Also called: SYNE1-Related Autosomal Recessive Cerebellar Ataxia; Spinocerebellar ataxia, autosomal recessive 8; ATAXIA, RECESSIVE, OF BEAUCE; SYNE1 Deficiency. Identifiers: Orphanet 88644, MedGen C1853116, MONDO:0012549, OMIM 610743.

Allele frequency attached by ClinVar (database versions not stated): gnomAD exomes below 0.00001; TOPMed below 0.00001.
gnomAD v4.1: 4 of 1,614,180 alleles (0.00025%); highest among the groups gnomAD compares: Admixed American, 0.0017%; no homozygotes.

Submissions (4):

Labcorp Genetics (formerly Invitae), Labcorp
Classification: Likely pathogenic for Emery-Dreifuss muscular dystrophy 4, autosomal dominant; Autosomal recessive ataxia, Beauce type. Last evaluated: 2025-09-08. Review status: criteria provided, single submitter. Criteria: Invitae Variant Classification Sherloc (09022015). Collection method: clinical testing. Allele origin: germline.
Comment: This sequence change affects a donor splice site in intron 138 of the SYNE1 gene. It is expected to disrupt RNA splicing. Variants that disrupt the donor or acceptor splice site typically lead to a loss of protein function (PMID: 16199547), and loss-of-function variants in SYNE1 are known to be pathogenic (PMID: 19542096, 24319099, 27086870). This variant is present in population databases (no rsID available, gnomAD 0.0009%). This variant has not been reported in the literature in individuals affected with SYNE1-related conditions. ClinVar contains an entry for this variant (Variation ID: 595117). Algorithms developed to predict the effect of sequence changes on RNA splicing suggest that this variant may disrupt the consensus splice site. In summary, the currently available evidence indicates that the variant is pathogenic, but additional data are needed to prove that conclusively. Therefore, this variant has been classified as Likely Pathogenic.

Athena Diagnostics
Classification: Pathogenic. Last evaluated: 2023-03-23. Review status: criteria provided, single submitter. Criteria: Athena Diagnostics Criteria. Collection method: clinical testing. Allele origin: unknown.
Comment: This variant is expected to severely impact normal RNA splicing, and consequently, protein structure and/or function. The frequency of this variant in the general population is consistent with pathogenicity. This variant has been identified in at least one individual with spinocerebellar ataxia.

Eurofins Ntd Llc (ga)
Classification: Pathogenic. Last evaluated: 2017-12-01. Review status: criteria provided, single submitter. Criteria: EGL Classification Definitions 2015. Collection method: clinical testing. Allele origin: germline. Observed: 1 variant allele, 1 heterozygote.

Dr. Peter K. Rogan Lab, Western University
No classification provided (evidence only). Condition: Chronic lymphocytic leukemia/small lymphocytic lymphoma. Review status: no classification provided. Collection method: in vitro. Allele origin: not applicable. Functional consequence: skipped exon, retained intron. Not counted in ClinVar's aggregate classification.

Literature cited by the submitters: PubMed 16199547 (cited by Labcorp Genetics (formerly Invitae), Labcorp); PubMed 19542096 (cited by Labcorp Genetics (formerly Invitae), Labcorp); PubMed 24319099 (cited by Labcorp Genetics (formerly Invitae), Labcorp); PubMed 27086870 (cited by Labcorp Genetics (formerly Invitae), Labcorp).

NM_182961.4(SYNE1):c.25119+1G>A

Gene: SYNE1 (spectrin repeat containing nuclear envelope protein 1; minus strand). Cytogenetic location: 6q25.2.
Variant type: single nucleotide variant.
Coding change: c.25119+1G>A on transcript NM_182961.4 (MANE Select); the canonical splice donor site of the intron after coding-DNA position 25119, G replaced by A.
Molecular consequence: splice donor variant.
Genome position (GRCh38, 1-based): chr6:152,143,622, C>T on the plus strand (G>A on the coding strand, the complement: SYNE1 is on the minus strand). VCF-style: chr6-152143622-C-T. GRCh37 (hg19) VCF-style: chr6-152464757-C-T.
Other names: c.25119+1G>A (NM_182961.2); c.24975+1G>A (NM_033071.5); c.1725+1G>A (NM_001347701.2); c.1653+1G>A (NM_001347702.2).
Identifiers: ClinVar variation 595117 (VCV000595117.13), dbSNP rs1164612098, ClinGen allele CA366082882.
Genomic context (GRCh38, chr6:152,143,622, plus strand): 5'-GTTCTTTGACACAGAACTGTGGTTTCGCACAGGTCGGAATCAGGATGGCCAGGATACTTA[C>T]GTAGCCTTTGTAGCTGGTGTCTAGCTCCGGCCCCGTGGGAGTTTTGCTGCGAATGATATT-3'